The following is an entry in ClinVar:

NM_000215.4(JAK3):c.2323C>T (p.Arg775Cys)

Gene: JAK3 (Janus kinase 3; minus strand). Cytogenetic location: 19p13.11.
Variant type: single nucleotide variant.
Coding change: c.2323C>T on transcript NM_000215.4 (MANE Select); coding-DNA position 2323, C replaced by T.
Protein change: p.Arg775Cys; replaces arginine 775 with cysteine.
Molecular consequence: missense variant.
Genome position (GRCh38, 1-based): chr19:17,834,598, G>A on the plus strand (C>T on the coding strand, the complement: JAK3 is on the minus strand). VCF-style: chr19-17834598-G-A. GRCh37 (hg19) VCF-style: chr19-17945407-G-A.
Other names: NM_000215.4(JAK3):c.2323C>T; p.Arg775Cys; short protein forms R775C.
Identifiers: ClinVar variation 134574 (VCV000134574.10), dbSNP rs200624610, ClinGen allele CA160228.
Genomic context (GRCh38, chr19:17,834,598, plus strand): 5'-AGCCCTCCCCACCCAACCCGTCCCAGCGGGCACCTGAAGAGATGAGGCTATTGAGGTCAC[G>A]AATGACGGCTCGGAAGGAGGGCCTCTGGACCGGCTCATAGGCCATGCACTGTTGAATCAG-3'
Protein context (NP_000206.2, residues 765-785): VQRPSFRAVI[Arg775Cys]DLNSLISSDY

ClinVar aggregate classification (germline): Uncertain significance. Review status: reviewed by expert panel (3 of 4 stars). 4 submissions from 4 submitters: Uncertain significance (1). 3 of the submissions do not count toward it. Last evaluated 2024-04-03.

Conditions:
T-B+ severe combined immunodeficiency due to JAK3 deficiency. Also called: SCID, autosomal recessive, T-negative/B-positive type; SCID, T CELL-NEGATIVE, B CELL-POSITIVE, NK CELL-NEGATIVE. Identifiers: Orphanet 35078, MedGen C1833275, MONDO:0010938, OMIM 600802.

Allele frequency attached by ClinVar (database versions not stated): gnomAD 0.00001; gnomAD exomes 0.00004; ExAC 0.00005; ESP Exome Variant Server 0.00008; TOPMed 0.00002.
gnomAD v4.1: 63 of 1,506,006 alleles (0.0042%); highest among the groups gnomAD compares: Non-Finnish European, 0.0049%; no homozygotes.

Submissions (4):

ClinGen Severe Combined Immunodeficiency Variant Curation Expert Panel, ClinGen
Classification: Uncertain significance for T-B+ severe combined immunodeficiency due to JAK3 deficiency. Last evaluated: 2024-04-03. Review status: reviewed by expert panel. Criteria: ClinGen SCID ACMG Specifications JAK3 V1.0.0. Collection method: curation. Allele origin: germline. Inheritance: Autosomal recessive inheritance.
Comment: The NM_000215.4(JAK3):c.2324G>A variant in JAK3 is a missense variant predicted to cause substitution of arginine by cysteine at amino acid 775 (p.Arg775Cys). The filtering allele frequency (the upper threshold of the 95% CI of 55/1113096) of the c.2323C>T variant in JAK3 is 0.00003886 for European (non-Finnish) chromosomes by gnomAD v4, which is lower than the ClinGen SCID JAK3 VCEP threshold (<0.000115) for PM2_Supporting, and therefore meets this criterion (PM2_Supporting). In summary, this variant meets the criteria to be classified as a variant of uncertain significance for autosomal recessive T-B+ severe combined immunodeficiency due to JAK3 deficiency based on the ACMG/AMP criteria applied, as specified by the ClinGen SCID VCEP: PM2_Supporting (VCEP specifications version 1).

Women's Health and Genetics/Laboratory Corporation of America, LabCorp
Classification: Uncertain significance. Last evaluated: 2026-06-16. Review status: criteria provided, single submitter. Criteria: LabCorp Variant Classification Summary - May 2015. Collection method: clinical testing. Allele origin: germline. Not counted in ClinVar's aggregate classification.
Comment: Variant summary: JAK3 c.2323C>T (p.Arg775Cys) results in a non-conservative amino acid change in the encoded protein sequence. Algorithms developed to predict the effect of missense changes on protein structure and function all suggest that this variant is likely to be disruptive. The variant allele was found at a frequency of 4e-05 in 251358 control chromosomes. This frequency is not significantly higher than estimated for disease-causing variants in JAK3, allowing no conclusion about variant significance. To our knowledge, no occurrence of c.2323C>T in individuals affected with JAK3-related conditions and no experimental evidence demonstrating its impact on protein function have been reported. Internally validated machine learning-based Evidence Modeling of protein sequence and biophysical properties (such as structural, functional, and spatial information, amino acid conservation, physicochemical variation, residue mobility, and thermodynamic stability) indicates that this missense variant is expected to disrupt protein function with a positive predictive value of at least 95%. ClinVar contains an entry for this variant (Variation ID: 134574). Based on the evidence outlined above, the variant was classified as VUS-possibly pathogenic.

Labcorp Genetics (formerly Invitae), Labcorp
Classification: Likely pathogenic for T-B+ severe combined immunodeficiency due to JAK3 deficiency. Last evaluated: 2025-01-27. Review status: criteria provided, single submitter. Criteria: Invitae Variant Classification Sherloc (09022015). Collection method: clinical testing. Allele origin: germline. Not counted in ClinVar's aggregate classification.
Comment: This sequence change replaces arginine, which is basic and polar, with cysteine, which is neutral and slightly polar, at codon 775 of the JAK3 protein (p.Arg775Cys). This variant is present in population databases (rs200624610, gnomAD 0.007%). This variant has not been reported in the literature in individuals affected with JAK3-related conditions. ClinVar contains an entry for this variant (Variation ID: 134574). Invitae Evidence Modeling of protein sequence and biophysical properties (such as structural, functional, and spatial information, amino acid conservation, physicochemical variation, residue mobility, and thermodynamic stability) indicates that this missense variant is expected to disrupt JAK3 protein function with a positive predictive value of 95%. This variant disrupts the p.Arg775 amino acid residue in JAK3. Other variant(s) that disrupt this residue have been determined to be pathogenic (PMID: 28916186, 31440277, 32445296; internal data). This suggests that this residue is clinically significant, and that variants that disrupt this residue are likely to be disease-causing. In summary, the currently available evidence indicates that the variant is pathogenic, but additional data are needed to prove that conclusively. Therefore, this variant has been classified as Likely Pathogenic.

ITMI
No classification provided. Condition: AllHighlyPenetrant. Last evaluated: 2013-09-19. Review status: no classification provided. Collection method: reference population. Allele origin: germline. Not counted in ClinVar's aggregate classification.
Comment: Please see associated publication for description of ethnicities

Literature cited by the submitters: PubMed 28916186 (cited by Labcorp Genetics (formerly Invitae), Labcorp); PubMed 31440277 (cited by Labcorp Genetics (formerly Invitae), Labcorp); PubMed 32445296 (cited by Labcorp Genetics (formerly Invitae), Labcorp); PubMed 24728327 (cited by ITMI).